The following is an entry in ClinVar:

NM_000138.5(FBN1):c.2855-9C>T

Gene: FBN1 (fibrillin 1; minus strand). Cytogenetic location: 15q21.1.
Variant type: single nucleotide variant.
Coding change: c.2855-9C>T on transcript NM_000138.5 (MANE Select); 9 bases into the intron before coding-DNA position 2855, C replaced by T.
Molecular consequence: intron variant.
Genome position (GRCh38, 1-based): chr15:48,490,087, G>A on the plus strand (C>T on the coding strand, the complement: FBN1 is on the minus strand). VCF-style: chr15-48490087-G-A. GRCh37 (hg19) VCF-style: chr15-48782284-G-A.
Other names: p.?.
Identifiers: ClinVar variation 42319 (VCV000042319.36), dbSNP rs140590, ClinGen allele CA013474.

ClinVar aggregate classification (germline): Benign/Likely benign. Review status: criteria provided, multiple submitters, no conflicts (2 of 4 stars). 18 submissions from 12 submitters: Benign (15); Likely benign (1). 2 of the submissions do not count toward it. Last evaluated 2026-01-27.

Conditions:
Geleophysic dysplasia. Identifiers: Orphanet 2623, MedGen C3489726, MONDO:0000127.
Weill-Marchesani syndrome. Also called: WM Syndrome; Mesodermal dysmorphodystrophy congenital. Identifiers: Orphanet 3449, MedGen C0265313, MONDO:0018096.
Marfan syndrome (MFS). Also called: FBN1-Related Marfan Syndrome; Marfan syndrome, classic; MARFAN SYNDROME, TYPE I; Marfan syndrome type 1; Marfan's syndrome. Identifiers: Orphanet 284963, Orphanet 558, MedGen C0024796, MONDO:0007947, OMIM 154700.
Familial thoracic aortic aneurysm and aortic dissection (TAAD). Also called: Thoracic aortic aneurysms and dissections. Identifiers: Orphanet 91387, MedGen C4707243, MONDO:0019625.
Acromicric dysplasia (ACMICD). Also called: Acromicric skeletal dysplasia. Identifiers: Orphanet 969, MedGen C0265287, MONDO:0007055, OMIM 102370.
Ectopia lentis 1, isolated, autosomal dominant (ECTOL1). Identifiers: Orphanet 1885, MedGen C3541518, MONDO:0007514, OMIM 129600.
Stiff skin syndrome (SSKS). Identifiers: Orphanet 2833, MedGen C1861456, MONDO:0008492, OMIM 184900.

Allele frequency attached by ClinVar (database versions not stated): 1000 Genomes Project 0.00699; gnomAD 0.00521 and 0.00556; gnomAD exomes 0.00048 and 0.00120; 1000 Genomes Project 30x 0.00812; ExAC 0.00166; ESP Exome Variant Server 0.00416; TOPMed 0.00571.
gnomAD v4.1: 1,537 of 1,613,348 alleles (0.095%); highest among the groups gnomAD compares: African/African-American, 1.8%; 14 homozygotes.

Submissions (18):

Labcorp Genetics (formerly Invitae), Labcorp
Classification: Benign for Marfan syndrome; Familial thoracic aortic aneurysm and aortic dissection. Last evaluated: 2026-01-27. Review status: criteria provided, single submitter. Criteria: Invitae Variant Classification Sherloc (09022015). Collection method: clinical testing. Allele origin: germline.

ARUP Laboratories, Molecular Genetics and Genomics, ARUP Laboratories
Classification: Benign. Last evaluated: 2024-12-26. Review status: criteria provided, single submitter. Criteria: ARUP Molecular Germline Variant Investigation Process 2024. Collection method: clinical testing. Allele origin: germline.

Blueprint Genetics
Classification: Benign. Last evaluated: 2024-10-18. Review status: criteria provided, single submitter. Criteria: ACMG Guidelines, 2015. Collection method: clinical testing. Allele origin: germline.

Mayo Clinic Laboratories, Mayo Clinic
Classification: Benign. Last evaluated: 2024-03-14. Review status: criteria provided, single submitter. Criteria: ACMG Guidelines, 2015. Collection method: clinical testing. Allele origin: germline. Observed: 2 variant alleles.
Comment: BA1, BP4, BP7

Color Diagnostics, LLC DBA Color Health
Classification: Benign for Familial thoracic aortic aneurysm and aortic dissection. Last evaluated: 2018-04-01. Review status: criteria provided, single submitter. Criteria: ACMG Guidelines, 2015. Collection method: clinical testing. Allele origin: germline.

Illumina Laboratory Services, Illumina
Classification: Likely benign for Familial thoracic aortic aneurysm and aortic dissection. Last evaluated: 2018-01-13. Review status: criteria provided, single submitter. Criteria: ICSL Variant Classification Criteria 13 December 2019. Collection method: clinical testing. Allele origin: germline.
Comment: This variant was observed in the ICSL laboratory as part of a predisposition screen in an ostensibly healthy population. It had not been previously curated by ICSL or reported in the Human Gene Mutation Database (HGMD: prior to June 1st, 2018), and was therefore a candidate for classification through an automated scoring system. Utilizing variant allele frequency, disease prevalence and penetrance estimates, and inheritance mode, an automated score was calculated to assess if this variant is too frequent to cause the disease. Based on the score and internal cut-off values, a variant classified as likely benign is not then subjected to further curation. The score for this variant resulted in a classification of likely benign for this disease.

Illumina Laboratory Services, Illumina
Classification: Benign for Stiff skin syndrome. Last evaluated: 2018-01-13. Review status: criteria provided, single submitter. Criteria: ICSL Variant Classification Criteria 13 December 2019. Collection method: clinical testing. Allele origin: germline.
Comment: This variant was observed in the ICSL laboratory as part of a predisposition screen in an ostensibly healthy population. It had not been previously curated by ICSL or reported in the Human Gene Mutation Database (HGMD: prior to June 1st, 2018), and was therefore a candidate for classification through an automated scoring system. Utilizing variant allele frequency, disease prevalence and penetrance estimates, and inheritance mode, an automated score was calculated to assess if this variant is too frequent to cause the disease. Based on the score and internal cut-off values, a variant classified as benign is not then subjected to further curation. The score for this variant resulted in a classification of benign for this disease.

Illumina Laboratory Services, Illumina
Classification: Benign for Weill-Marchesani syndrome. Last evaluated: 2018-01-13. Review status: criteria provided, single submitter. Criteria: ICSL Variant Classification Criteria 13 December 2019. Collection method: clinical testing. Allele origin: germline.
Comment: the same text as in the submission from Illumina Laboratory Services, Illumina above.

Illumina Laboratory Services, Illumina
Classification: Benign for Ectopia lentis 1, isolated, autosomal dominant. Last evaluated: 2018-01-13. Review status: criteria provided, single submitter. Criteria: ICSL Variant Classification Criteria 13 December 2019. Collection method: clinical testing. Allele origin: germline.
Comment: the same text as in the submission from Illumina Laboratory Services, Illumina above.

Illumina Laboratory Services, Illumina
Classification: Benign for Acromicric dysplasia. Last evaluated: 2018-01-13. Review status: criteria provided, single submitter. Criteria: ICSL Variant Classification Criteria 13 December 2019. Collection method: clinical testing. Allele origin: germline.
Comment: the same text as in the submission from Illumina Laboratory Services, Illumina above.

Illumina Laboratory Services, Illumina
Classification: Benign for Marfan syndrome. Last evaluated: 2018-01-13. Review status: criteria provided, single submitter. Criteria: ICSL Variant Classification Criteria 13 December 2019. Collection method: clinical testing. Allele origin: germline.
Comment: the same text as in the submission from Illumina Laboratory Services, Illumina above.

Illumina Laboratory Services, Illumina
Classification: Benign for Geleophysic dysplasia. Last evaluated: 2018-01-13. Review status: criteria provided, single submitter. Criteria: ICSL Variant Classification Criteria 13 December 2019. Collection method: clinical testing. Allele origin: germline.
Comment: the same text as in the submission from Illumina Laboratory Services, Illumina above.

CHEO Genetics Diagnostic Laboratory, Children's Hospital of Eastern Ontario
Classification: Benign for Familial thoracic aortic aneurysm and aortic dissection. Last evaluated: 2016-11-30. Review status: criteria provided, single submitter. Criteria: ACMG Guidelines, 2015. Collection method: clinical testing. Allele origin: germline. Study: Canadian Open Genetics Repository.

GeneDx
Classification: Benign. Last evaluated: 2014-04-19. Review status: criteria provided, single submitter. Criteria: GeneDx Variant Classification (06012015). Collection method: clinical testing. Allele origin: germline. Affected: yes.
Comment: This variant is considered likely benign or benign based on one or more of the following criteria: it is a conservative change, it occurs at a poorly conserved position in the protein, it is predicted to be benign by multiple in silico algorithms, and/or has population frequency not consistent with disease.

Laboratory for Molecular Medicine, Mass General Brigham Personalized Medicine
Classification: Benign. Last evaluated: 2008-10-20. Review status: criteria provided, single submitter. Criteria: LMM Criteria. Collection method: clinical testing. Allele origin: germline. Observed: 5 variant alleles.

PreventionGenetics, part of Exact Sciences
Classification: Benign. Review status: criteria provided, single submitter. Criteria: ACMG Guidelines, 2015. Collection method: clinical testing. Allele origin: germline.

Genome Diagnostics Laboratory, Amsterdam University Medical Center
Classification: Benign. Review status: no assertion criteria provided. Collection method: clinical testing. Allele origin: germline. Affected: yes. Study: VKGL Data-share Consensus. Not counted in ClinVar's aggregate classification.

Genome Diagnostics Laboratory, University Medical Center Utrecht
Classification: Likely benign. Review status: no assertion criteria provided. Collection method: clinical testing. Allele origin: germline. Affected: yes. Study: VKGL Data-share Consensus. Not counted in ClinVar's aggregate classification.